The following is an entry in ClinVar:

NM_017882.3(CLN6):c.696C>G (p.Ile232Met)

Gene: CLN6 (CLN6 transmembrane ER protein; minus strand). Cytogenetic location: 15q23.
Variant type: single nucleotide variant.
Coding change: c.696C>G on transcript NM_017882.3 (MANE Select); coding-DNA position 696, C replaced by G.
Protein change: p.Ile232Met; replaces isoleucine 232 with methionine.
Molecular consequence: missense variant.
Genome position (GRCh38, 1-based): chr15:68,208,380, G>C on the plus strand (C>G on the coding strand, the complement: CLN6 is on the minus strand). VCF-style: chr15-68208380-G-C. GRCh37 (hg19) VCF-style: chr15-68500718-G-C.
Other names: short protein forms I232M.
Identifiers: ClinVar variation 1426116 (VCV001426116.5), dbSNP rs2141136135, ClinGen allele CA392972259.

ClinVar aggregate classification (germline): Uncertain significance (1 of 4 stars; one submission).

Conditions:
Neuronal ceroid lipofuscinosis. Also called: Neuronal Ceroid Lipofuscinoses. Identifiers: Orphanet 216, Orphanet 79263, MedGen C0027877, MONDO:0016295. Disease mechanism: loss of function.

Submission:

Labcorp Genetics (formerly Invitae), Labcorp
Classification: Uncertain significance for Neuronal ceroid lipofuscinosis. Last evaluated: 2022-06-20. Review status: criteria provided, single submitter. Criteria: Invitae Variant Classification Sherloc (09022015). Collection method: clinical testing. Allele origin: germline.
Comment: This sequence change replaces isoleucine, which is neutral and non-polar, with methionine, which is neutral and non-polar, at codon 232 of the CLN6 protein (p.Ile232Met). This variant is not present in population databases (gnomAD no frequency). This variant has not been reported in the literature in individuals affected with CLN6-related conditions. Algorithms developed to predict the effect of missense changes on protein structure and function are either unavailable or do not agree on the potential impact of this missense change (SIFT: "Deleterious"; PolyPhen-2: "Possibly Damaging"; Align-GVGD: "Class C0"). In summary, the available evidence is currently insufficient to determine the role of this variant in disease. Therefore, it has been classified as a Variant of Uncertain Significance.